The following is an entry in ClinVar:

NM_024675.4(PALB2):c.1709_1710del (p.Glu570fs)

Gene: PALB2 (partner and localizer of BRCA2; minus strand). Cytogenetic location: 16p12.2.
Variant type: Microsatellite.
Coding change: c.1709_1710del on transcript NM_024675.4 (MANE Select); coding-DNA positions 1709 to 1710, 2 bases deleted (AG; older notation c.1709_1710delAG).
Protein change: p.Glu570fs; shifts the reading frame from glutamic acid 570.
Molecular consequence: frameshift variant.
Genome position (GRCh38, 1-based): chr16:23,630,444-23,630,445, CT deleted on the plus strand (AG on the coding strand, the reverse complement: PALB2 is on the minus strand); deleting any 2 consecutive bases within chr16:23,630,444-23,630,447 gives the same sequence; the c. name uses the placement nearest the transcript's 3' end. VCF-style (leftmost placement, unchanged base first): chr16-23630443-CCT-C. GRCh37 (hg19) VCF-style: chr16-23641764-CCT-C.
Other names: c.1709_1710delAG (NM_024675.3); short protein forms E570fs.
Identifiers: ClinVar variation 642599 (VCV000642599.14), dbSNP rs1597091425, ClinGen allele CA915949196.

ClinVar aggregate classification (germline): Pathogenic/Likely pathogenic. Review status: criteria provided, multiple submitters, no conflicts (2 of 4 stars). 6 submissions from 6 submitters: Pathogenic (5); Likely pathogenic (1). Last evaluated 2025-05-28.

Conditions:
Familial cancer of breast. Also called: hereditary breast carcinoma; BREAST CANCER, FAMILIAL; Hereditary breast cancer. Identifiers: Orphanet 227535, MedGen C0346153, MONDO:0016419, OMIM 114480. Disease mechanism: loss of function.
Hereditary cancer-predisposing syndrome. Also called: Neoplastic Syndromes, Hereditary; Tumor predisposition; Hereditary neoplastic syndrome; Hereditary Cancer Syndrome. Identifiers: Orphanet 140162, MedGen C0027672, MeSH D009386, MONDO:0015356.

Submissions (6):

Myriad Genetics, Inc.
Classification: Pathogenic for Familial cancer of breast. Last evaluated: 2025-05-28. Review status: criteria provided, single submitter. Criteria: Myriad Autosomal Dominant, Autosomal Recessive and X-Linked Classification Criteria (2023). Collection method: clinical testing. Allele origin: unknown.
Comment: This variant is considered pathogenic. This variant creates a frameshift predicted to result in premature protein truncation.

Baylor Genetics
Classification: Likely pathogenic for Familial cancer of breast. Last evaluated: 2023-09-29. Review status: criteria provided, single submitter. Criteria: ACMG Guidelines, 2015. Collection method: clinical testing. Allele origin: unknown.

Color Diagnostics, LLC DBA Color Health
Classification: Pathogenic for Hereditary cancer-predisposing syndrome. Last evaluated: 2023-06-26. Review status: criteria provided, single submitter. Criteria: ACMG Guidelines, 2015. Collection method: clinical testing. Allele origin: germline.
Comment: This variant deletes 2 nucleotides in exon 5 of the PALB2 gene, creating a frameshift and premature translation stop signal. This variant is expected to result in an absent or non-functional protein product. To our knowledge, this variant has not been reported in individuals affected with PALB2-related disorders in the literature. This variant has not been identified in the general population by the Genome Aggregation Database (gnomAD). Loss of PALB2 function is a known mechanism of disease. Based on the available evidence, this variant is classified as Pathogenic.

Labcorp Genetics (formerly Invitae), Labcorp
Classification: Pathogenic for Familial cancer of breast. Last evaluated: 2022-01-27. Review status: criteria provided, single submitter. Criteria: Invitae Variant Classification Sherloc (09022015). Collection method: clinical testing. Allele origin: germline.
Comment: For these reasons, this variant has been classified as Pathogenic. ClinVar contains an entry for this variant (Variation ID: 642599). This variant has not been reported in the literature in individuals affected with PALB2-related conditions. This variant is not present in population databases (gnomAD no frequency). This sequence change creates a premature translational stop signal (p.Glu570Glyfs*7) in the PALB2 gene. It is expected to result in an absent or disrupted protein product. Loss-of-function variants in PALB2 are known to be pathogenic (PMID: 17200668, 17200671, 17200672, 24136930, 25099575).

Ambry Genetics
Classification: Pathogenic for Hereditary cancer-predisposing syndrome. Last evaluated: 2020-09-01. Review status: criteria provided, single submitter. Criteria: Ambry Variant Classification Scheme 2023. Collection method: clinical testing. Allele origin: germline.
Comment: The c.1709_1710delAG pathogenic mutation, located in coding exon 5 of the PALB2 gene, results from a deletion of two nucleotides at nucleotide positions 1709 to 1710, causing a translational frameshift with a predicted alternate stop codon (p.E570Gfs*7). This alteration is expected to result in loss of function by premature protein truncation or nonsense-mediated mRNA decay. As such, this alteration is interpreted as a disease-causing mutation.

Quest Diagnostics Nichols Institute San Juan Capistrano
Classification: Pathogenic. Last evaluated: 2020-03-18. Review status: criteria provided, single submitter. Criteria: Quest Diagnostics criteria. Collection method: clinical testing. Allele origin: unknown.
Comment: The variant results in a shift of the reading frame, and is therefore predicted to result in the loss of a functional protein. Found in at least one patient with expected phenotype for this gene, and not found in general population data.

Literature cited by the submitters: PubMed 17200668 (cited by Labcorp Genetics (formerly Invitae), Labcorp); PubMed 17200671 (cited by Labcorp Genetics (formerly Invitae), Labcorp); PubMed 17200672 (cited by Labcorp Genetics (formerly Invitae), Labcorp); PubMed 24136930 (cited by Labcorp Genetics (formerly Invitae), Labcorp); PubMed 25099575 (cited by Labcorp Genetics (formerly Invitae), Labcorp).